The following is an entry in ClinVar:

NM_016222.4(DDX41):c.705C>A (p.Phe235Leu)

Gene: DDX41 (DEAD-box helicase 41; minus strand). Cytogenetic location: 5q35.3.
Variant type: single nucleotide variant.
Coding change: c.705C>A on transcript NM_016222.4 (MANE Select); coding-DNA position 705, C replaced by A.
Protein change: p.Phe235Leu; replaces phenylalanine 235 with leucine.
Molecular consequence: missense variant.
Genome position (GRCh38, 1-based): chr5:177,515,009, G>T on the plus strand (C>A on the coding strand, the complement: DDX41 is on the minus strand). VCF-style: chr5-177515009-G-T. GRCh37 (hg19) VCF-style: chr5-176942010-G-T.
Other names: c.327C>A, p.Phe109Leu (NM_001321732.2, NM_001321830.2); short protein forms F109L, F235L.
Identifiers: ClinVar variation 4869675 (VCV004869675.1).
Genomic context (GRCh38, chr5:177,515,009, plus strand): 5'-GCGCTTTGAGAAGGGTAACCTCTTCTCTTGTTCCAGGCAGAACATGATGACGGGCAACGT[G>T]AACACCAGTGTCTTGCCTGAACCCGTGAAAGCGATGCCTATCATGTCACGGCCAGATAGA-3'
Protein context (NP_057306.2, residues 225-245): AFTGSGKTLV[Phe235Leu]TLPVIMFCLE

ClinVar aggregate classification (germline): Uncertain significance (1 of 4 stars; one submission).

Conditions:
Inborn genetic diseases. Identifiers: MedGen C0950123, MeSH D030342.

Submission:

Ambry Genetics
Classification: Uncertain significance for Inborn genetic diseases. Last evaluated: 2026-05-13. Review status: criteria provided, single submitter. Criteria: Ambry Variant Classification Scheme 2023. Collection method: clinical testing. Allele origin: germline.
Comment: The p.F235L variant (also known as c.705C>A), located in coding exon 8 of the DDX41 gene, results from a C to A substitution at nucleotide position 705. The phenylalanine at codon 235 is replaced by leucine, an amino acid with highly similar properties. This amino acid position is highly conserved in available vertebrate species. In addition, this alteration is predicted to be deleterious by in silico analysis. Based on the available evidence, the clinical significance of this variant remains unclear.